The following is an entry in ClinVar:

ClinVar aggregate classification (germline): Uncertain significance. Review status: criteria provided, multiple submitters, no conflicts (2 of 4 stars). 4 submissions from 4 submitters: Uncertain significance (4). Last evaluated 2026-03-30.

Conditions:
Inborn genetic diseases. Identifiers: MedGen C0950123, MeSH D030342.
Epidermolysis bullosa simplex, Ogna type (EBS5A). Also called: Pidermolysis bullosa simplex 5A, Ogna type; EPIDERMOLYSIS BULLOSA SIMPLEX 5A, OGNA TYPE. Identifiers: Orphanet 79401, MedGen C0432317, MONDO:0007555, OMIM 131950.
Junctional epidermolysis bullosa with pyloric atresia. Also called: APLASIA CUTIS CONGENITA WITH GASTROINTESTINAL ATRESIA; CARMI SYNDROME; EB-PA-ACC; ITGB4-Related Epidermolysis Bullosa with Pyloric Atresia; Epidermolysis bullosa, junctional, with pyloric atresia and aplasia cutis congenita; Epidermolysis bullosa junctionalis with pyloric atresia. Identifiers: Orphanet 79403, MedGen C5676875, MONDO:0009183, OMIM 226730.
Epidermolysis bullosa simplex 5C, with pyloric atresia (EBS5C). Also called: PLEC1-Related Epidermolysis Bullosa with Pyloric Atresia; PLEC-Related Epidermolysis Bullosa with Pyloric Atresia; Epidermolysis bullosa simplex with pyloric atresia. Identifiers: Orphanet 158684, MedGen C2677349, MONDO:0012807, OMIM 612138.
Autosomal recessive limb-girdle muscular dystrophy type 2Q (LGMDR17). Also called: MUSCULAR DYSTROPHY, LIMB-GIRDLE, AUTOSOMAL RECESSIVE 17. Identifiers: Orphanet 254361, MedGen C3150989, MONDO:0013390, OMIM 613723.
Epidermolysis bullosa simplex 5B, with muscular dystrophy (EBS5B). Also called: EPIDERMOLYSIS BULLOSA SIMPLEX AND LIMB-GIRDLE MUSCULAR DYSTROPHY; Epidermolysis bullosa simplex with muscular dystrophy. Identifiers: Orphanet 257, MedGen C2931072, MONDO:0009181, OMIM 226670.
Epidermolysis bullosa simplex with nail dystrophy (EBS5D). Identifiers: MedGen C4225309, MONDO:0014661, OMIM 616487.

Allele frequency attached by ClinVar (database versions not stated): ExAC 0.00003; gnomAD exomes 0.00006 and 0.00018; TOPMed 0.00007; ESP Exome Variant Server 0.00008; gnomAD 0.00010 and 0.00012; 1000 Genomes Project 30x 0.00016.
gnomAD v4.1: 291 of 1,614,098 alleles (0.018%); highest among the groups gnomAD compares: Non-Finnish European, 0.022%; no homozygotes.

Submissions (4):

Women's Health and Genetics/Laboratory Corporation of America, LabCorp
Classification: Uncertain significance. Last evaluated: 2026-03-30. Review status: criteria provided, single submitter. Criteria: LabCorp Variant Classification Summary - May 2015. Collection method: clinical testing. Allele origin: germline.
Comment: Variant summary: PLEC c.8657A>G (p.His2886Arg) results in a non-conservative amino acid change in the encoded protein sequence. Algorithms developed to predict the effect of missense changes on protein structure and function are either unavailable or do not agree on the potential impact of this missense change. The variant allele was found at a frequency of 6.4e-05 in 249504 control chromosomes. This frequency is not significantly higher than estimated for disease-causing variants in PLEC, allowing no conclusion about variant significance. To our knowledge, no occurrence of c.8657A>G in individuals affected with PLEC-related conditions and no experimental evidence demonstrating its impact on protein function have been reported. ClinVar contains an entry for this variant (Variation ID: 1043869). Based on the evidence outlined above, the variant was classified as uncertain significance.

Labcorp Genetics (formerly Invitae), Labcorp
Classification: Uncertain significance for Autosomal recessive limb-girdle muscular dystrophy type 2Q; Epidermolysis bullosa simplex, Ogna type; Epidermolysis bullosa simplex with nail dystrophy; Epidermolysis bullosa simplex 5C, with pyloric atresia; Epidermolysis bullosa simplex 5B, with muscular dystrophy. Last evaluated: 2025-04-08. Review status: criteria provided, single submitter. Criteria: Invitae Variant Classification Sherloc (09022015). Collection method: clinical testing. Allele origin: germline.
Comment: This sequence change replaces histidine, which is basic and polar, with arginine, which is basic and polar, at codon 2886 of the PLEC protein (p.His2886Arg). This variant is present in population databases (rs368319348, gnomAD 0.01%). This variant has not been reported in the literature in individuals affected with PLEC-related conditions. ClinVar contains an entry for this variant (Variation ID: 1043869). An algorithm developed to predict the effect of missense changes on protein structure and function outputs the following: PolyPhen-2: "Possibly Damaging". The arginine amino acid residue is found in multiple mammalian species, which suggests that this missense change does not adversely affect protein function. In summary, the available evidence is currently insufficient to determine the role of this variant in disease. Therefore, it has been classified as a Variant of Uncertain Significance.

Ambry Genetics
Classification: Uncertain significance for Inborn genetic diseases. Last evaluated: 2024-09-08. Review status: criteria provided, single submitter. Criteria: Ambry Variant Classification Scheme 2023. Collection method: clinical testing. Allele origin: germline.

Department of Pathology and Laboratory Medicine, Sinai Health System
Classification: Uncertain significance for Epidermolysis bullosa simplex, Ogna type; Epidermolysis bullosa simplex 5B, with muscular dystrophy; Junctional epidermolysis bullosa with pyloric atresia; Epidermolysis bullosa simplex 5C, with pyloric atresia; Autosomal recessive limb-girdle muscular dystrophy type 2Q; Epidermolysis bullosa simplex with nail dystrophy. Last evaluated: 2023-03-20. Review status: criteria provided, single submitter. Criteria: ACMG Guidelines, 2015. Collection method: research. Allele origin: germline.

NM_201384.3(PLEC):c.8576A>G (p.His2859Arg)

Gene: PLEC (plectin; minus strand). Cytogenetic location: 8q24.3.
Variant type: single nucleotide variant.
Coding change: c.8576A>G on transcript NM_201384.3 (MANE Select); coding-DNA position 8576, A replaced by G.
Protein change: p.His2859Arg; replaces histidine 2859 with arginine.
Molecular consequence: missense variant.
Genome position (GRCh38, 1-based): chr8:143,921,245, T>C on the plus strand (A>G on the coding strand, the complement: PLEC is on the minus strand). VCF-style: chr8-143921245-T-C. GRCh37 (hg19) VCF-style: chr8-144995413-T-C.
Other names: c.8657A>G, p.His2886Arg (NM_000445.5); c.8534A>G, p.His2845Arg (NM_201378.4); c.8510A>G, p.His2837Arg (NM_201379.3); c.8987A>G, p.His2996Arg (NM_201380.4); c.8480A>G, p.His2827Arg (NM_201381.3); c.8576A>G, p.His2859Arg (NM_201382.4); c.8588A>G, p.His2863Arg (NM_201383.3); c.8657A>G (NM_000445.3); short protein forms H2837R, H2886R, H2996R, H2827R, H2845R, H2859R, H2863R.
Identifiers: ClinVar variation 1043869 (VCV001043869.8), dbSNP rs368319348, ClinGen allele CA4925263.